The following is an entry in ClinVar:

NM_006947.4(SRP72):c.1874C>T (p.Ser625Phe)

Gene: SRP72 (signal recognition particle 72; plus strand). Cytogenetic location: 4q12.
Variant type: single nucleotide variant.
Coding change: c.1874C>T on transcript NM_006947.4 (MANE Select); coding-DNA position 1874, C replaced by T.
Protein change: p.Ser625Phe; replaces serine 625 with phenylalanine.
Molecular consequence: missense variant. On other transcripts: non-coding transcript variant (1).
Genome position (GRCh38, 1-based): chr4:56,501,719, C>T. VCF-style: chr4-56501719-C-T. GRCh37 (hg19) VCF-style: chr4-57367885-C-T.
Other names: c.1691C>T, p.Ser564Phe (NM_001267722.2); short protein forms S625F, S564F.
Identifiers: ClinVar variation 4174958 (VCV004174958.1).

ClinVar aggregate classification (germline): Uncertain significance (1 of 4 stars; one submission).

Submission:

Ambry Genetics
Classification: Uncertain significance. Last evaluated: 2025-08-05. Review status: criteria provided, single submitter. Criteria: Ambry Variant Classification Scheme 2023. Collection method: clinical testing. Allele origin: germline.
Comment: The p.S625F variant (also known as c.1874C>T), located in coding exon 19 of the SRP72 gene, results from a C to T substitution at nucleotide position 1874. The serine at codon 625 is replaced by phenylalanine, an amino acid with highly dissimilar properties. This amino acid position is conserved. In addition, the in silico prediction for this alteration is inconclusive. Based on the available evidence, the clinical significance of this variant remains unclear.